The following is an entry in ClinVar:

ClinVar aggregate classification (germline): Uncertain significance. Review status: criteria provided, multiple submitters, no conflicts (2 of 4 stars). 5 submissions from 5 submitters: Uncertain significance (5). Last evaluated 2026-04-23.

Conditions:
TTC21B-related disorder. Also called: TTC21B-related condition; TTC21B-related disorders.
Jeune thoracic dystrophy. Also called: Short-rib thoracic dysplasia; Jeune syndrome; Infantile thoracic dystrophy; Thoracic pelvic phalangeal dystrophy; Jeune's syndrome; Chondroectodermal dysplasia-like syndrome. Identifiers: Orphanet 474, MedGen C0265275, MONDO:0018770.
Nephronophthisis. Also called: Juvenile Nephronophthisis. Identifiers: Orphanet 655, MedGen C0687120, MONDO:0019005, HP:0000090.
Nephronophthisis 12 (NPHP12). Identifiers: Orphanet 655, MedGen C3151186, MONDO:0013442, OMIM 613820.
Asphyxiating thoracic dystrophy 4 (SRTD4). Also called: SHORT-RIB THORACIC DYSPLASIA 4 WITH OR WITHOUT POLYDACTYLY; SHORT-RIB THORACIC DYSPLASIA 4. Identifiers: Orphanet 474, MedGen C3151185, MONDO:0013441, OMIM 613819.

Allele frequency attached by ClinVar (database versions not stated): gnomAD exomes 0.00001 and 0.00005; ExAC 0.00004; ESP Exome Variant Server 0.00015; gnomAD 0.00015 and 0.00017; TOPMed 0.00018.
gnomAD v4.1: 37 of 1,613,602 alleles (0.0023%); highest among the groups gnomAD compares: African/African-American, 0.035%; no homozygotes.

Submissions (5):

PreventionGenetics, part of Exact Sciences
Classification: Uncertain significance for TTC21B-related condition. Last evaluated: 2026-04-23. Review status: criteria provided, single submitter. Criteria: ACMG Guidelines, 2015. Collection method: clinical testing. Allele origin: germline.
Comment: The TTC21B c.2339A>T variant is predicted to result in the amino acid substitution p.Glu780Val. To our knowledge, this variant has not been reported in the literature. This variant is reported in 0.025% of alleles in individuals of Latino descent in gnomAD. At this time, the clinical significance of this variant is uncertain due to the absence of conclusive functional and genetic evidence.

Fulgent Genetics
Classification: Uncertain significance for Asphyxiating thoracic dystrophy 4; Nephronophthisis 12. Last evaluated: 2024-03-08. Review status: criteria provided, single submitter. Criteria: ACMG Guidelines, 2015. Collection method: clinical testing. Allele origin: germline.

ARUP Laboratories, Molecular Genetics and Genomics, ARUP Laboratories
Classification: Uncertain significance. Last evaluated: 2023-10-09. Review status: criteria provided, single submitter. Criteria: ARUP Molecular Germline Variant Investigation Process 2024. Collection method: clinical testing. Allele origin: germline.
Comment: The TTC21B c.2339A>T; p.Glu780Val variant (rs371940683), to our knowledge, is not reported in the medical literature but is reported in ClinVar (Variation ID: 1020713). This variant is observed in thirteen individuals in the Genome Aggregation Database, indicating it is not a common polymorphism. The glutamic acid at codon 780 is highly conserved, and computational analyses predict that this variant is deleterious (REVEL: 0.751). However, given the lack of clinical and functional data, the significance of this variant is uncertain at this time References: None Found

Labcorp Genetics (formerly Invitae), Labcorp
Classification: Uncertain significance for Jeune thoracic dystrophy; Nephronophthisis. Last evaluated: 2022-08-16. Review status: criteria provided, single submitter. Criteria: Invitae Variant Classification Sherloc (09022015). Collection method: clinical testing. Allele origin: germline.
Comment: This sequence change replaces glutamic acid, which is acidic and polar, with valine, which is neutral and non-polar, at codon 780 of the TTC21B protein (p.Glu780Val). This variant is present in population databases (rs371940683, gnomAD 0.03%). This variant has not been reported in the literature in individuals affected with TTC21B-related conditions. ClinVar contains an entry for this variant (Variation ID: 1020713). Algorithms developed to predict the effect of missense changes on protein structure and function (SIFT, PolyPhen-2, Align-GVGD) all suggest that this variant is likely to be disruptive. Algorithms developed to predict the effect of sequence changes on RNA splicing suggest that this variant may disrupt the consensus splice site. In summary, the available evidence is currently insufficient to determine the role of this variant in disease. Therefore, it has been classified as a Variant of Uncertain Significance.

Breakthrough Genomics
Classification: Uncertain significance. Review status: criteria provided, single submitter. Criteria: ACMG Guidelines, 2015. Collection method: not provided. Allele origin: germline. Inheritance: Autosomal recessive inheritance. Affected: yes.

NM_024753.5(TTC21B):c.2339A>T (p.Glu780Val)

Gene: TTC21B (tetratricopeptide repeat domain 21B; minus strand). Cytogenetic location: 2q24.3.
Variant type: single nucleotide variant.
Coding change: c.2339A>T on transcript NM_024753.5 (MANE Select); coding-DNA position 2339, A replaced by T.
Protein change: p.Glu780Val; replaces glutamic acid 780 with valine.
Molecular consequence: missense variant.
Genome position (GRCh38, 1-based): chr2:165,911,449, T>A on the plus strand (A>T on the coding strand, the complement: TTC21B is on the minus strand). VCF-style: chr2-165911449-T-A. GRCh37 (hg19) VCF-style: chr2-166767959-T-A.
Other names: c.2339A>T (NM_024753.4); short protein forms E780V.
Identifiers: ClinVar variation 1020713 (VCV001020713.11), dbSNP rs371940683, ClinGen allele CA1941851.
Genomic context (GRCh38, chr2:165,911,449, plus strand): 5'-AATAAGAGCTCAGCCAGGTCATAGCAAAGATAATTCTTTTGTCCAGTTTTCAGAGCAGCT[T>A]CATAGTAAGTGATTGCCTAAACAAAATTCATTCCATTTAAGGGAACAAGGCAATGAGAAT-3'
Protein context (NP_079029.3, residues 770-790): HNYSMAITYY[Glu780Val]AALKTGQKNY